The following is an entry in ClinVar:

ClinVar aggregate classification (germline): Uncertain significance (1 of 4 stars; one submission).

Conditions:
Primary dilated cardiomyopathy (DCM). Also called: Dilated Cardiomyopathy. Identifiers: Orphanet 217604, MedGen C0007193, MeSH D002311, MONDO:0005021, HP:0001644. Inheritance: Various modes of inheritance.

Submission:

Labcorp Genetics (formerly Invitae), Labcorp
Classification: Uncertain significance for Primary dilated cardiomyopathy. Last evaluated: 2021-02-02. Review status: criteria provided, single submitter. Criteria: Invitae Variant Classification Sherloc (09022015). Collection method: clinical testing. Allele origin: germline.
Comment: This sequence change creates a premature translational stop signal (p.Gln951*) in the NEBL gene. While this is not anticipated to result in nonsense mediated decay, it is expected to disrupt the last 64 amino acid(s) of the NEBL protein. This variant is not present in population databases (ExAC no frequency). This variant has not been reported in the literature in individuals with NEBL-related conditions. Experimental studies and prediction algorithms are not available or were not evaluated, and the functional significance of this variant is currently unknown. In summary, the available evidence is currently insufficient to determine the role of this variant in disease. Therefore, it has been classified as a Variant of Uncertain Significance.

NM_006393.3(NEBL):c.2851C>T (p.Gln951Ter)

Gene: NEBL (nebulette; minus strand). Cytogenetic location: 10p12.31.
Variant type: single nucleotide variant.
Coding change: c.2851C>T on transcript NM_006393.3 (MANE Select); coding-DNA position 2851, C replaced by T.
Protein change: p.Gln951Ter; replaces glutamine 951 with a stop codon.
Molecular consequence: nonsense.
Genome position (GRCh38, 1-based): chr10:20,787,219, G>A on the plus strand (C>T on the coding strand, the complement: NEBL is on the minus strand). VCF-style: chr10-20787219-G-A. GRCh37 (hg19) VCF-style: chr10-21076148-G-A.
Other names: c.619C>T, p.Gln207Ter (NM_001173484.2, NM_213569.2); c.712C>T, p.Gln238Ter (NM_001377322.1); c.571C>T, p.Gln191Ter (NM_001377323.1); c.562C>T, p.Gln188Ter (NM_001377324.1); c.553C>T, p.Gln185Ter (NM_001377325.1); c.511C>T, p.Gln171Ter (NM_001377326.1, NM_001377327.1, NM_001377328.1); short protein forms Q188*, Q191*, Q951*, Q171*, Q185*, Q207*, Q238*.
Identifiers: ClinVar variation 1406697 (VCV001406697.6), dbSNP rs2131619034, ClinGen allele CA376092427.